The following is an entry in ClinVar:

NM_004336.5(BUB1):c.2344T>C (p.Leu782=)

Gene: BUB1 (BUB1 mitotic checkpoint serine/threonine kinase; minus strand). Cytogenetic location: 2q13.
Variant type: single nucleotide variant.
Coding change: c.2344T>C on transcript NM_004336.5 (MANE Select); coding-DNA position 2344, T replaced by C.
Protein change: p.Leu782=; no amino-acid change (leucine 782 retained).
Molecular consequence: synonymous variant.
Genome position (GRCh38, 1-based): chr2:110,649,237, A>G on the plus strand (T>C on the coding strand, the complement: BUB1 is on the minus strand). VCF-style: chr2-110649237-A-G. GRCh37 (hg19) VCF-style: chr2-111406814-A-G.
Other names: c.2284T>C, p.Leu762= (NM_001278616.2); c.2344T>C, p.Leu782= (NM_001278617.2).
Identifiers: ClinVar variation 1789916 (VCV001789916.4), dbSNP rs769294354, ClinGen allele CA1827819.

ClinVar aggregate classification (germline): Conflicting classifications of pathogenicity. Review status: criteria provided, conflicting classifications (1 of 4 stars). 2 submissions from 2 submitters: Uncertain significance (1); Likely benign (1). Last evaluated 2024-10-31.

Allele frequency attached by ClinVar (database versions not stated): ExAC 0.00002; gnomAD exomes 0.00003.
gnomAD v4.1: 39 of 1,604,688 alleles (0.0024%); highest among the groups gnomAD compares: South Asian, 0.0044%; no homozygotes.

Submissions (2):

Labcorp Genetics (formerly Invitae), Labcorp
Classification: Uncertain significance. Last evaluated: 2024-10-31. Review status: criteria provided, single submitter. Criteria: Invitae Variant Classification Sherloc (09022015). Collection method: clinical testing. Allele origin: germline.
Comment: This sequence change affects codon 782 of the BUB1 mRNA. It is a 'silent' change, meaning that it does not change the encoded amino acid sequence of the BUB1 protein. This variant is present in population databases (rs769294354, gnomAD 0.003%). This variant has not been reported in the literature in individuals affected with BUB1-related conditions. ClinVar contains an entry for this variant (Variation ID: 1789916). In summary, the available evidence is currently insufficient to determine the role of this variant in disease. Therefore, it has been classified as a Variant of Uncertain Significance.

Ambry Genetics
Classification: Likely benign. Last evaluated: 2022-02-15. Review status: criteria provided, single submitter. Criteria: Ambry Variant Classification Scheme 2023. Collection method: clinical testing. Allele origin: germline.